The following is an entry in ClinVar:

ClinVar aggregate classification (germline): Uncertain significance (1 of 4 stars; one submission).

gnomAD v4.1: 1 of 1,026,140 alleles (0.000097%); highest among the groups gnomAD compares: Non-Finnish European, 0.00014%; no homozygotes.

Submission:

Labcorp Genetics (formerly Invitae), Labcorp
Classification: Uncertain significance. Last evaluated: 2025-10-27. Review status: criteria provided, single submitter. Criteria: Invitae Variant Classification Sherloc (09022015). Collection method: clinical testing. Allele origin: germline.
Comment: This sequence change falls in intron 7 of the POLA1 gene. It does not directly change the encoded amino acid sequence of the POLA1 protein. It affects a nucleotide within the consensus splice site. This variant is present in population databases (no rsID available, gnomAD 0.02%). This variant has not been reported in the literature in individuals affected with POLA1-related conditions. ClinVar contains an entry for this variant (Variation ID: 3680062). Variants that disrupt the consensus splice site are a relatively common cause of aberrant splicing (PMID: 17576681, 9536098). Algorithms developed to predict the effect of sequence changes on RNA splicing suggest that this variant is not likely to affect RNA splicing. In summary, the available evidence is currently insufficient to determine the role of this variant in disease. Therefore, it has been classified as a Variant of Uncertain Significance.

Literature cited by the submitters: PubMed 17576681; PubMed 9536098.

NM_001330360.2(POLA1):c.618+6G>T

Gene: POLA1 (DNA polymerase alpha 1, catalytic subunit; plus strand). Cytogenetic location: Xp22.11.
Variant type: single nucleotide variant.
Coding change: c.618+6G>T on transcript NM_001330360.2 (MANE Select); 6 bases into the intron after coding-DNA position 618, G replaced by T.
Molecular consequence: intron variant.
Genome position (GRCh38, 1-based): chrX:24,716,460, G>T. VCF-style: chrX-24716460-G-T. GRCh37 (hg19) VCF-style: chrX-24734577-G-T.
Other names: c.618+6G>T (NM_001378303.1); c.600+6G>T (NM_016937.4).
Identifiers: ClinVar variation 3680062 (VCV003680062.2).